The following is an entry in ClinVar:

ClinVar aggregate classification (germline): Uncertain significance (1 of 4 stars; one submission).

Conditions:
TUBA4A-related disorder. Also called: TUBA4A-related condition.

Submission:

PreventionGenetics, part of Exact Sciences
Classification: Uncertain significance for TUBA4A-related condition. Last evaluated: 2025-11-22. Review status: criteria provided, single submitter. Criteria: ACMG Guidelines, 2015. Collection method: clinical testing. Allele origin: germline.
Comment: The TUBA4A c.967G>A variant is predicted to result in the amino acid substitution p.Val323Met. To our knowledge, this variant has not been reported in the literature or in a large population database (gnomAD), indicating this variant is rare. At this time, the clinical significance of this variant is uncertain due to the absence of conclusive functional and genetic evidence.

NM_006000.3(TUBA4A):c.967G>A (p.Val323Met)

Gene: TUBA4A (tubulin alpha 4a; minus strand). Cytogenetic location: 2q35.
Variant type: single nucleotide variant.
Coding change: c.967G>A on transcript NM_006000.3 (MANE Select); coding-DNA position 967, G replaced by A.
Protein change: p.Val323Met; replaces valine 323 with methionine.
Molecular consequence: missense variant.
Genome position (GRCh38, 1-based): chr2:219,250,732, C>T on the plus strand (G>A on the coding strand, the complement: TUBA4A is on the minus strand). VCF-style: chr2-219250732-C-T. GRCh37 (hg19) VCF-style: chr2-220115454-C-T.
Other names: c.922G>A, p.Val308Met (NM_001278552.2); short protein forms V308M, V323M.
Identifiers: ClinVar variation 4992622 (VCV004992622.1).